The following is an entry in ClinVar:

NM_015057.5(MYCBP2):c.5357A>G (p.Asp1786Gly)

Gene: MYCBP2 (MYC binding protein 2; minus strand). Cytogenetic location: 13q22.3.
Variant type: single nucleotide variant.
Coding change: c.5357A>G on transcript NM_015057.5 (MANE Select); coding-DNA position 5357, A replaced by G.
Protein change: p.Asp1786Gly; replaces aspartic acid 1786 with glycine.
Molecular consequence: missense variant.
Genome position (GRCh38, 1-based): chr13:77,176,612, T>C on the plus strand (A>G on the coding strand, the complement: MYCBP2 is on the minus strand). VCF-style: chr13-77176612-T-C. GRCh37 (hg19) VCF-style: chr13-77750747-T-C.
Other names: short protein forms D1786G.
Identifiers: ClinVar variation 1712173 (VCV001712173.3), dbSNP rs2549043159, ClinGen allele CA388422807.

ClinVar aggregate classification (germline): Uncertain significance (1 of 4 stars; one submission).

Allele frequency attached by ClinVar (database versions not stated): gnomAD exomes below 0.00001.
gnomAD v4.1: 1 of 1,565,088 alleles (0.000064%); highest among the groups gnomAD compares: Non-Finnish European, 0.000087%; no homozygotes.

Submission:

GeneDx
Classification: Uncertain significance. Last evaluated: 2023-10-04. Review status: criteria provided, single submitter. Criteria: GeneDx Variant Classification Process June 2021. Collection method: clinical testing. Allele origin: germline. Affected: yes.
Comment: Not observed at significant frequency in large population cohorts (gnomAD); In silico analysis supports that this missense variant has a deleterious effect on protein structure/function; Has not been previously published as pathogenic or benign to our knowledge